The following is an entry in ClinVar:

ClinVar aggregate classification (germline): Benign. Review status: criteria provided, multiple submitters, no conflicts (2 of 4 stars). 4 submissions from 3 submitters: Benign (4). Last evaluated 2018-07-07.

Conditions:
Severe combined immunodeficiency, autosomal recessive, T cell-negative, B cell-negative, NK cell-positive. Also called: SCID, T CELL-NEGATIVE, B CELL-NEGATIVE, NK CELL-POSITIVE; SCID, AR, T-cell negative, B-cell negative, NK cell-positive; Severe combined immunodeficiency due to complete RAG1/2 deficiency. Identifiers: Orphanet 331206, MedGen C1832322, MONDO:0011086, OMIM 601457.
Histiocytic medullary reticulosis. Also called: SEVERE COMBINED IMMUNODEFICIENCY WITH HYPEREOSINOPHILIA; Omenn syndrome. Identifiers: Orphanet 39041, MedGen C2700553, MONDO:0011338, OMIM 603554.

Allele frequency attached by ClinVar (database versions not stated): gnomAD exomes 0.39382; gnomAD 0.48132 and 0.48270; TOPMed 0.51664; 1000 Genomes Project 30x 0.61259; 1000 Genomes Project 0.61322.

Submissions (4):

GeneDx
Classification: Benign. Last evaluated: 2018-07-07. Review status: criteria provided, single submitter. Criteria: GeneDx Variant Classification Process June 2021. Collection method: clinical testing. Allele origin: germline. Affected: yes.

Illumina Laboratory Services, Illumina
Classification: Benign for Histiocytic medullary reticulosis. Last evaluated: 2018-01-13. Review status: criteria provided, single submitter. Criteria: ICSL Variant Classification Criteria 13 December 2019. Collection method: clinical testing. Allele origin: germline.
Comment: This variant was observed in the ICSL laboratory as part of a predisposition screen in an ostensibly healthy population. It had not been previously curated by ICSL or reported in the Human Gene Mutation Database (HGMD: prior to June 1st, 2018), and was therefore a candidate for classification through an automated scoring system. Utilizing variant allele frequency, disease prevalence and penetrance estimates, and inheritance mode, an automated score was calculated to assess if this variant is too frequent to cause the disease. Based on the score and internal cut-off values, a variant classified as benign is not then subjected to further curation. The score for this variant resulted in a classification of benign for this disease.

Illumina Laboratory Services, Illumina
Classification: Benign for Severe combined immunodeficiency, autosomal recessive, T cell-negative, B cell-negative, NK cell-positive. Last evaluated: 2018-01-13. Review status: criteria provided, single submitter. Criteria: ICSL Variant Classification Criteria 13 December 2019. Collection method: clinical testing. Allele origin: germline.
Comment: the same text as in the submission from Illumina Laboratory Services, Illumina above.

Breakthrough Genomics
Classification: Benign. Review status: criteria provided, single submitter. Criteria: ACMG Guidelines, 2015. Collection method: not provided. Allele origin: germline. Inheritance: Autosomal recessive inheritance. Affected: yes.

NM_000536.4(RAG2):c.*328A>G

Gene: RAG2 (recombination activating 2; minus strand). Cytogenetic location: 11p12.
Variant type: single nucleotide variant.
Coding change: c.*328A>G on transcript NM_000536.4 (MANE Select); 328 bases downstream of the stop codon, A replaced by G.
Molecular consequence: 3 prime UTR variant.
Genome position (GRCh38, 1-based): chr11:36,592,257, T>C on the plus strand (A>G on the coding strand, the complement: RAG2 is on the minus strand). VCF-style: chr11-36592257-T-C. GRCh37 (hg19) VCF-style: chr11-36613807-T-C.
Other names: c.*328A>G (NM_001243785.2, NM_001243786.2).
Identifiers: ClinVar variation 304542 (VCV000304542.8), dbSNP rs10836573, ClinGen allele CA10634816.